The following is an entry in ClinVar:

NM_001374259.2(IL12RB2):c.34T>C (p.Phe12Leu)

Gene: IL12RB2 (interleukin 12 receptor subunit beta 2; plus strand). Cytogenetic location: 1p31.3.
Variant type: single nucleotide variant.
Coding change: c.34T>C on transcript NM_001374259.2 (MANE Select); coding-DNA position 34, T replaced by C.
Protein change: p.Phe12Leu; replaces phenylalanine 12 with leucine.
Molecular consequence: missense variant. On other transcripts: non-coding transcript variant (2).
Genome position (GRCh38, 1-based): chr1:67,320,402, T>C. VCF-style: chr1-67320402-T-C. GRCh37 (hg19) VCF-style: chr1-67786085-T-C.
Other names: c.34T>C (NM_001559.2); c.34T>C, p.Phe12Leu (NM_001258214.1, NM_001258215.1, NM_001258216.1 and 2 more transcripts); short protein forms F12L.
Identifiers: ClinVar variation 1475293 (VCV001475293.9), dbSNP rs375777947, ClinGen allele CA900095.

ClinVar aggregate classification (germline): Conflicting classifications of pathogenicity. Review status: criteria provided, conflicting classifications (1 of 4 stars). 2 submissions from 2 submitters: Uncertain significance (1); Likely benign (1). Last evaluated 2025-10-27.

Allele frequency attached by ClinVar (database versions not stated): ExAC 0.00005; gnomAD 0.00006; gnomAD exomes 0.00006; TOPMed 0.00006; ESP Exome Variant Server 0.00008.
gnomAD v4.1: 98 of 1,613,894 alleles (0.0061%); highest among the groups gnomAD compares: Admixed American, 0.013%; no homozygotes.

Submissions (2):

Labcorp Genetics (formerly Invitae), Labcorp
Classification: Uncertain significance. Last evaluated: 2025-10-27. Review status: criteria provided, single submitter. Criteria: Invitae Variant Classification Sherloc (09022015). Collection method: clinical testing. Allele origin: germline.
Comment: This sequence change replaces phenylalanine, which is neutral and non-polar, with leucine, which is neutral and non-polar, at codon 12 of the IL12RB2 protein (p.Phe12Leu). This variant is present in population databases (rs375777947, gnomAD 0.01%). This variant has not been reported in the literature in individuals affected with IL12RB2-related conditions. ClinVar contains an entry for this variant (Variation ID: 1475293). An algorithm developed to predict the effect of missense changes on protein structure and function outputs the following: PolyPhen-2: "Benign". The leucine amino acid residue is found in multiple mammalian species, which suggests that this missense change does not adversely affect protein function. In summary, the available evidence is currently insufficient to determine the role of this variant in disease. Therefore, it has been classified as a Variant of Uncertain Significance.

Ambry Genetics
Classification: Likely benign. Last evaluated: 2025-04-09. Review status: criteria provided, single submitter. Criteria: Ambry Variant Classification Scheme 2023. Collection method: clinical testing. Allele origin: germline.